The following is an entry in ClinVar:

NM_000321.3(RB1):c.1390-14del

Gene: RB1 (RB transcriptional corepressor 1; plus strand). Cytogenetic location: 13q14.2.
Variant type: Deletion.
Coding change: c.1390-14del on transcript NM_000321.3 (MANE Select); 14 bases into the intron before coding-DNA position 1390, one base deleted (A; older notation c.1390-14delA).
Molecular consequence: intron variant.
Genome position (GRCh38, 1-based): chr13:48,380,039, A deleted; the last of 3 consecutive A bases (chr13:48,380,037-48,380,039); deleting any one gives the same sequence. VCF-style (leftmost placement, unchanged base first): chr13-48380036-TA-T. GRCh37 (hg19) VCF-style: chr13-48954172-TA-T.
Other names: c.1390-14del (NM_001407165.1, NM_001407166.1); c.1390-16del (NM_000321.3).
Identifiers: ClinVar variation 4759367 (VCV004759367.1), dbSNP rs779396239.

ClinVar aggregate classification (germline): Likely benign (1 of 4 stars; one submission).

Conditions:
Hereditary retinoblastoma. Identifiers: Orphanet 357027, MedGen C0751483, MONDO:0018160.

Submission:

Ramesar Group, Division of Human Genetics, Institute of Infectious Diseases and Molecular Medicine, UCT/MRC Genomic and Precision Medicine Research Unit, University of Cape Town
Classification: Likely benign for Hereditary retinoblastoma. Last evaluated: 2025-09-17. Review status: criteria provided, single submitter. Criteria: ACMG Guidelines, 2015. Collection method: research. Allele origin: germline. Affected: no.
Comment: BP5 - Variant found in a patient with a different retinal disease; RB1 is not associated with the phenotype BP7 - A non-coding variant with no predicted effect on splicing (SpliceAI scores are negligible)